The following is an entry in ClinVar:

ClinVar aggregate classification (germline): Uncertain significance (1 of 4 stars; one submission).

Conditions:
Glycogen storage disease, type II (IOPD). Also called: Pompe Disease; CARDIOMEGALIA GLYCOGENICA DIFFUSA; GLYCOGENOSIS, GENERALIZED, CARDIAC FORM; GSD II; POMPE DISEASE, INFANTILE-ONSET; GLYCOGEN STORAGE DISEASE II, INFANTILE-ONSET. Identifiers: Orphanet 365, MedGen C0017921, MONDO:0009290, OMIM 232300.

Submission:

Genomenon, Inc
Classification: Uncertain significance for Glycogen storage disease, type II. Last evaluated: 2026-07-01. Review status: criteria provided, single submitter. Criteria: Genomenon Sequence Variant Interpretation Standards - Updated. Collection method: curation. Allele origin: germline. Affected: yes.
Comment: GAA p.Asn470Phe (c.1408_1410delinsTTT) is a deletion-insertion variant that changes the amino acid at codon 470 from Asparagine to Phenylalanine. This variant has been observed in at least one proband with a GAA-related disorder in the compound heterozygous and/or homozygous state (PMID:27711114). It is absent or not present at a significant frequency in gnomAD. In conclusion, we classify GAA p.Asn470Phe (c.1408_1410delinsTTT) as a variant of uncertain significance.

Literature cited by the submitters: PubMed 27711114.

NM_000152.5(GAA):c.1408_1410delinsTTT (p.Asn470Phe)

Gene: GAA (alpha glucosidase; plus strand). Cytogenetic location: 17q25.3.
Variant type: Indel.
Coding change: c.1408_1410delinsTTT on transcript NM_000152.5 (MANE Select); coding-DNA positions 1408 to 1410, AAC replaced by TTT.
Protein change: p.Asn470Phe; replaces asparagine 470 with phenylalanine.
Molecular consequence: missense variant.
Genome position (GRCh38, 1-based): chr17:80,110,026-80,110,028, AAC replaced by TTT. VCF-style: chr17-80110026-AAC-TTT. GRCh37 (hg19) VCF-style: chr17-78083825-AAC-TTT.
Other names: c.1408_1410delinsTTT, p.Asn470Phe (NM_001406742.1, NM_001079803.3, NM_001079804.3 and 1 more transcripts); short protein forms N470F.
Identifiers: ClinVar variation 4876618 (VCV004876618.1).
Genomic context (GRCh38, chr17:80,110,026, plus strand): 5'-GGCCCTGCCGGGAGCTACAGGCCCTACGACGAGGGTCTGCGGAGGGGGGTTTTCATCACC[AAC>TTT]GAGACCGGCCAGCCGCTGATTGGGAAGGTAGGGCGAGGGTCCAGGGGACGGGGGTTAGAA-3'
Protein context (NP_000143.2, residues 460-480): EGLRRGVFIT[Asn470Phe]ETGQPLIGKV